The following is an entry in ClinVar:

NM_004618.5(TOP3A):c.1157A>C (p.Asp386Ala)

Gene: TOP3A (DNA topoisomerase III alpha; minus strand). Cytogenetic location: 17p11.2.
Variant type: single nucleotide variant.
Coding change: c.1157A>C on transcript NM_004618.5 (MANE Select); coding-DNA position 1157, A replaced by C.
Protein change: p.Asp386Ala; replaces aspartic acid 386 with alanine.
Molecular consequence: missense variant.
Genome position (GRCh38, 1-based): chr17:18,292,769, T>G on the plus strand (A>C on the coding strand, the complement: TOP3A is on the minus strand). VCF-style: chr17-18292769-T-G. GRCh37 (hg19) VCF-style: chr17-18196083-T-G.
Other names: c.872A>C, p.Asp291Ala (NM_001320759.2); short protein forms D386A, D291A.
Identifiers: ClinVar variation 2091765 (VCV002091765.1), dbSNP rs1980560472, ClinGen allele CA398633353.

ClinVar aggregate classification (germline): Uncertain significance (1 of 4 stars; one submission).

Submission:

Labcorp Genetics (formerly Invitae), Labcorp
Classification: Uncertain significance. Last evaluated: 2022-02-02. Review status: criteria provided, single submitter. Criteria: Invitae Variant Classification Sherloc (09022015). Collection method: clinical testing. Allele origin: germline.
Comment: This sequence change replaces aspartic acid, which is acidic and polar, with alanine, which is neutral and non-polar, at codon 386 of the TOP3A protein (p.Asp386Ala). This variant is not present in population databases (gnomAD no frequency). This variant has not been reported in the literature in individuals affected with TOP3A-related conditions. Algorithms developed to predict the effect of missense changes on protein structure and function are either unavailable or do not agree on the potential impact of this missense change (SIFT: "Not Available"; PolyPhen-2: "Possibly Damaging"; Align-GVGD: "Not Available"). In summary, the available evidence is currently insufficient to determine the role of this variant in disease. Therefore, it has been classified as a Variant of Uncertain Significance.